The following is an entry in ClinVar:

NM_173076.3(ABCA12):c.682C>T (p.Gln228Ter)

Gene: ABCA12 (ATP binding cassette subfamily A member 12; minus strand). Cytogenetic location: 2q35.
Variant type: single nucleotide variant.
Coding change: c.682C>T on transcript NM_173076.3 (MANE Select); coding-DNA position 682, C replaced by T.
Protein change: p.Gln228Ter; replaces glutamine 228 with a stop codon.
Molecular consequence: nonsense. On other transcripts: non-coding transcript variant (1).
Genome position (GRCh38, 1-based): chr2:215,049,637, G>A on the plus strand (C>T on the coding strand, the complement: ABCA12 is on the minus strand). VCF-style: chr2-215049637-G-A. GRCh37 (hg19) VCF-style: chr2-215914361-G-A.
Other names: short protein forms Q228*.
Identifiers: ClinVar variation 2734385 (VCV002734385.3), dbSNP rs2469415837, ClinGen allele CA350454206.

ClinVar aggregate classification (germline): Pathogenic (1 of 4 stars; one submission).

Allele frequency attached by ClinVar (database versions not stated): gnomAD exomes below 0.00001.
gnomAD v4.1: 2 of 1,613,232 alleles (0.00012%); highest among the groups gnomAD compares: South Asian, 0.0011%; no homozygotes.

Submission:

Labcorp Genetics (formerly Invitae), Labcorp
Classification: Pathogenic. Last evaluated: 2023-08-16. Review status: criteria provided, single submitter. Criteria: Invitae Variant Classification Sherloc (09022015). Collection method: clinical testing. Allele origin: germline.
Comment: This premature translational stop signal has been observed in individual(s) with congenital ichthyosis (PMID: 16902423). For these reasons, this variant has been classified as Pathogenic. This variant is not present in population databases (gnomAD no frequency). This sequence change creates a premature translational stop signal (p.Gln228*) in the ABCA12 gene. It is expected to result in an absent or disrupted protein product. Loss-of-function variants in ABCA12 are known to be pathogenic (PMID: 20672373).

Literature cited by the submitters: PubMed 16902423; PubMed 20672373.